The following is an entry in ClinVar:

ClinVar aggregate classification (germline): Uncertain significance (1 of 4 stars; one submission).

Submission:

GeneDx
Classification: Uncertain significance. Last evaluated: 2024-07-16. Review status: criteria provided, single submitter. Criteria: GeneDx Variant Classification Process June 2021. Collection method: clinical testing. Allele origin: germline. Affected: yes.
Comment: Not observed at significant frequency in large population cohorts (gnomAD); In silico analysis indicates that this missense variant does not alter protein structure/function; Has not been previously published as pathogenic or benign to our knowledge

NM_001318852.2(MAPK8IP3):c.2057G>A (p.Arg686Gln)

Gene: MAPK8IP3 (mitogen-activated protein kinase 8 interacting protein 3; plus strand). Cytogenetic location: 16p13.3.
Variant type: single nucleotide variant.
Coding change: c.2057G>A on transcript NM_001318852.2 (MANE Select); coding-DNA position 2057, G replaced by A.
Protein change: p.Arg686Gln; replaces arginine 686 with glutamine.
Molecular consequence: missense variant.
Genome position (GRCh38, 1-based): chr16:1,764,146, G>A. VCF-style: chr16-1764146-G-A. GRCh37 (hg19) VCF-style: chr16-1814147-G-A.
Other names: c.2036G>A, p.Arg679Gln (NM_001040439.2); c.2054G>A, p.Arg685Gln (NM_015133.5, NM_033392.3); short protein forms R679Q, R685Q, R686Q.
Identifiers: ClinVar variation 1809977 (VCV001809977.2), dbSNP rs2548102900, ClinGen allele CA394233546.